The following is an entry in ClinVar:

ClinVar aggregate classification (germline): Likely benign (1 of 4 stars; one submission).

Conditions:
GPBAR1-related disorder. Also called: GPBAR1-related condition.

Submission:

PreventionGenetics, part of Exact Sciences
Classification: Likely benign for GPBAR1-related condition. Last evaluated: 2026-07-20. Review status: criteria provided, single submitter. Criteria: ACMG Guidelines, 2015. Collection method: clinical testing. Allele origin: germline.
Comment: This variant is classified as likely benign based on ACMG/AMP sequence variant interpretation guidelines (Richards et al. 2015 PMID: 25741868, with internal and published modifications).

NM_170699.3(GPBAR1):c.576C>G (p.Ala192=)

Gene: GPBAR1 (G protein-coupled bile acid receptor 1; plus strand). Cytogenetic location: 2q35.
Variant type: single nucleotide variant.
Coding change: c.576C>G on transcript NM_170699.3 (MANE Select); coding-DNA position 576, C replaced by G.
Protein change: p.Ala192=; no amino-acid change (alanine 192 retained).
Molecular consequence: synonymous variant.
Genome position (GRCh38, 1-based): chr2:218,263,300, C>G. VCF-style: chr2-218263300-C-G. GRCh37 (hg19) VCF-style: chr2-219128023-C-G.
Other names: c.576C>G, p.Ala192= (NM_001077191.2, NM_001077194.2, NM_001321950.2).
Identifiers: ClinVar variation 4988345 (VCV004988345.1).